The following is an entry in ClinVar:

ClinVar aggregate classification (germline): Benign/Likely benign. Review status: criteria provided, multiple submitters, no conflicts (2 of 4 stars). 2 submissions from 2 submitters: Benign (1); Likely benign (1). Last evaluated 2026-06-16.

Conditions:
Gastrointestinal stromal tumor. Also called: Gastrointestinal stromal tumor, somatic; Gastrointestinal stroma tumor. Identifiers: Orphanet 44890, MedGen C0238198, MeSH D046152, MONDO:0011719, OMIM 606764, HP:0100723.
Polyps, multiple and recurrent inflammatory fibroid, gastrointestinal. Identifiers: MedGen C5193005, MONDO:0008285, OMIM 175510.

Submissions (2):

Myriad Genetics, Inc.
Classification: Benign for Polyps, multiple and recurrent inflammatory fibroid, gastrointestinal. Last evaluated: 2026-06-16. Review status: criteria provided, single submitter. Criteria: Myriad Autosomal Dominant, Autosomal Recessive and X-Linked Classification Criteria (2023). Collection method: clinical testing. Allele origin: unknown.
Comment: This variant is considered benign. This variant is a silent/synonymous amino acid change and it is not expected to impact splicing.

Labcorp Genetics (formerly Invitae), Labcorp
Classification: Likely benign for Gastrointestinal stromal tumor. Last evaluated: 2022-08-09. Review status: criteria provided, single submitter. Criteria: Invitae Variant Classification Sherloc (09022015). Collection method: clinical testing. Allele origin: germline.

NM_006206.6(PDGFRA):c.687A>G (p.Glu229=)

Gene: PDGFRA (platelet derived growth factor receptor alpha; plus strand). Cytogenetic location: 4q12.
Variant type: single nucleotide variant.
Coding change: c.687A>G on transcript NM_006206.6 (MANE Select); coding-DNA position 687, A replaced by G.
Protein change: p.Glu229=; no amino-acid change (glutamic acid 229 retained).
Molecular consequence: synonymous variant.
Genome position (GRCh38, 1-based): chr4:54,264,977, A>G. VCF-style: chr4-54264977-A-G. GRCh37 (hg19) VCF-style: chr4-55131144-A-G.
Other names: c.687A>G, p.Glu229= (NM_001347827.2, NM_001347829.2); c.762A>G, p.Glu254= (NM_001347828.2); c.726A>G, p.Glu242= (NM_001347830.2).
Identifiers: ClinVar variation 1629204 (VCV001629204.17), dbSNP rs2110258000, ClinGen allele CA439285904.